The following is an entry in ClinVar:

NM_001297595.2(SIN3B):c.2954+6A>G

Gene: SIN3B (SIN3 transcription regulator family member B; plus strand). Cytogenetic location: 19p13.11.
Variant type: single nucleotide variant.
Coding change: c.2954+6A>G on transcript NM_001297595.2 (MANE Select); 6 bases into the intron after coding-DNA position 2954, A replaced by G.
Molecular consequence: intron variant.
Genome position (GRCh38, 1-based): chr19:16,877,645, A>G. VCF-style: chr19-16877645-A-G. GRCh37 (hg19) VCF-style: chr19-16988456-A-G.
Other names: c.3050+6A>G (NM_015260.4, NM_015260.3); c.1724+6A>G (NM_001297597.2).
Identifiers: ClinVar variation 1303542 (VCV001303542.5), dbSNP rs2303090, ClinGen allele CA9283632.

ClinVar aggregate classification (germline): Benign. Review status: criteria provided, multiple submitters, no conflicts (2 of 4 stars). 3 submissions from 3 submitters: Benign (2). 1 of the submissions does not count toward it. Last evaluated 2021-07-16.

Conditions:
SIN3B-related disorder. Also called: SIN3B-related condition.

Allele frequency attached by ClinVar (database versions not stated): 1000 Genomes Project 30x 0.62976; 1000 Genomes Project 0.63359; TOPMed 0.64647; gnomAD 0.65495 and 0.65791; ESP Exome Variant Server 0.65546; gnomAD exomes 0.69110 and 0.72296; ExAC 0.70765.
gnomAD v4.1: 1,141,432 of 1,592,900 alleles (72%); highest among the groups gnomAD compares: Middle Eastern, 74%; 412,358 homozygotes.

Submissions (3):

GeneDx
Classification: Benign. Last evaluated: 2021-07-16. Review status: criteria provided, single submitter. Criteria: GeneDx Variant Classification Process June 2021. Collection method: clinical testing. Allele origin: germline. Affected: yes.

Breakthrough Genomics
Classification: Benign. Review status: criteria provided, single submitter. Criteria: ACMG Guidelines, 2015. Collection method: not provided. Allele origin: germline. Inheritance: Unknown mechanism. Affected: yes.

PreventionGenetics, part of Exact Sciences
Classification: Benign for SIN3B-related condition. Last evaluated: 2024-06-30. Review status: no assertion criteria provided. Collection method: clinical testing. Allele origin: germline. Not counted in ClinVar's aggregate classification.
Comment: This variant is classified as benign based on ACMG/AMP sequence variant interpretation guidelines (Richards et al. 2015 PMID: 25741868, with internal and published modifications).